The following is an entry in ClinVar:

ClinVar aggregate classification (germline): Uncertain significance. Review status: criteria provided, multiple submitters, no conflicts (2 of 4 stars). 2 submissions from 2 submitters: Uncertain significance (2). Last evaluated 2024-02-24.

Conditions:
Hereditary cancer-predisposing syndrome. Also called: Tumor predisposition; Hereditary neoplastic syndrome; Neoplastic Syndromes, Hereditary; Hereditary Cancer Syndrome. Identifiers: Orphanet 140162, MedGen C0027672, MeSH D009386, MONDO:0015356.
Bloom syndrome (BLM). Also called: Bloom-Torre-Machacek syndrome. Identifiers: Orphanet 125, MedGen C0005859, MONDO:0008876, OMIM 210900.

Submissions (2):

Ambry Genetics
Classification: Uncertain significance for Hereditary cancer-predisposing syndrome. Last evaluated: 2024-02-24. Review status: criteria provided, single submitter. Criteria: Ambry Variant Classification Scheme 2023. Collection method: clinical testing. Allele origin: germline.
Comment: The p.D226Y variant (also known as c.676G>T), located in coding exon 2 of the BLM gene, results from a G to T substitution at nucleotide position 676. The aspartic acid at codon 226 is replaced by tyrosine, an amino acid with highly dissimilar properties. This amino acid position is not well conserved in available vertebrate species. In addition, this alteration is predicted to be tolerated by in silico analysis. Since supporting evidence is limited at this time, the clinical significance of this alteration remains unclear.

Labcorp Genetics (formerly Invitae), Labcorp
Classification: Uncertain significance for Bloom syndrome. Last evaluated: 2024-02-11. Review status: criteria provided, single submitter. Criteria: Invitae Variant Classification Sherloc (09022015). Collection method: clinical testing. Allele origin: germline.
Comment: This sequence change replaces aspartic acid, which is acidic and polar, with tyrosine, which is neutral and polar, at codon 226 of the BLM protein (p.Asp226Tyr). This variant is not present in population databases (gnomAD no frequency). This variant has not been reported in the literature in individuals affected with BLM-related conditions. ClinVar contains an entry for this variant (Variation ID: 1498678). An algorithm developed to predict the effect of missense changes on protein structure and function (PolyPhen-2) suggests that this variant is likely to be tolerated. In summary, the available evidence is currently insufficient to determine the role of this variant in disease. Therefore, it has been classified as a Variant of Uncertain Significance.

NM_000057.4(BLM):c.676G>T (p.Asp226Tyr)

Gene: BLM (BLM RecQ like helicase; plus strand). Cytogenetic location: 15q26.1.
Variant type: single nucleotide variant.
Coding change: c.676G>T on transcript NM_000057.4 (MANE Select); coding-DNA position 676, G replaced by T.
Protein change: p.Asp226Tyr; replaces aspartic acid 226 with tyrosine.
Molecular consequence: missense variant. On other transcripts: 5 prime UTR variant (1).
Genome position (GRCh38, 1-based): chr15:90,749,944, G>T. VCF-style: chr15-90749944-G-T. GRCh37 (hg19) VCF-style: chr15-91293174-G-T.
Other names: c.676G>T, p.Asp226Tyr (NM_001287246.2, NM_001287247.2); c.-616G>T (NM_001287248.2); short protein forms D226Y.
Identifiers: ClinVar variation 1498678 (VCV001498678.10), dbSNP rs2151147916, ClinGen allele CA393841312.